The following is an entry in ClinVar:

NM_002485.5(NBN):c.880A>T (p.Met294Leu)

Gene: NBN (nibrin; minus strand). Cytogenetic location: 8q21.3.
Variant type: single nucleotide variant.
Coding change: c.880A>T on transcript NM_002485.5 (MANE Select); coding-DNA position 880, A replaced by T.
Protein change: p.Met294Leu; replaces methionine 294 with leucine.
Molecular consequence: missense variant.
Genome position (GRCh38, 1-based): chr8:89,970,380, T>A on the plus strand (A>T on the coding strand, the complement: NBN is on the minus strand). VCF-style: chr8-89970380-T-A. GRCh37 (hg19) VCF-style: chr8-90982608-T-A.
Other names: c.634A>T, p.Met212Leu (NM_001024688.3); short protein forms M294L, M212L.
Identifiers: ClinVar variation 187162 (VCV000187162.25), dbSNP rs746381477, ClinGen allele CA196894.

ClinVar aggregate classification (germline): Uncertain significance. Review status: criteria provided, multiple submitters, no conflicts (2 of 4 stars). 6 submissions from 6 submitters: Uncertain significance (5). 1 of the submissions does not count toward it. Last evaluated 2025-09-07.

Conditions:
Hereditary cancer-predisposing syndrome. Also called: Tumor predisposition; Neoplastic Syndromes, Hereditary; Hereditary neoplastic syndrome; Hereditary Cancer Syndrome. Identifiers: Orphanet 140162, MedGen C0027672, MeSH D009386, MONDO:0015356.
Microcephaly, normal intelligence and immunodeficiency (NBS). Also called: SEEMANOVA SYNDROME II; Nijmegen breakage syndrome; Microcephaly with normal intelligence immunodeficiency and lymphoreticular malignancies; Nonsyndromal microcephaly autosomal recessive with normal intelligence; Seemanova syndrome 2; BERLIN BREAKAGE SYNDROME. Identifiers: Orphanet 647, MedGen C0398791, MONDO:0009623, OMIM 251260.

Allele frequency attached by ClinVar (database versions not stated): gnomAD exomes below 0.00001; ExAC 0.00001; TOPMed 0.00001.
gnomAD v4.1: 4 of 1,611,556 alleles (0.00025%); highest among the groups gnomAD compares: Middle Eastern, 0.016%; no homozygotes.

Submissions (6):

Ambry Genetics
Classification: Uncertain significance for Hereditary cancer-predisposing syndrome. Last evaluated: 2025-09-07. Review status: criteria provided, single submitter. Criteria: Ambry Variant Classification Scheme 2023. Collection method: clinical testing. Allele origin: germline.
Comment: The p.M294L variant (also known as c.880A>T), located in coding exon 7 of the NBN gene, results from an A to T substitution at nucleotide position 880. The methionine at codon 294 is replaced by leucine, an amino acid with highly similar properties. This amino acid position is not well conserved in available vertebrate species. In addition, this alteration is predicted to be tolerated by in silico analysis. Since supporting evidence is limited at this time, the clinical significance of this alteration remains unclear.

Labcorp Genetics (formerly Invitae), Labcorp
Classification: Uncertain significance for Microcephaly, normal intelligence and immunodeficiency. Last evaluated: 2024-10-08. Review status: criteria provided, single submitter. Criteria: Invitae Variant Classification Sherloc (09022015). Collection method: clinical testing. Allele origin: germline.
Comment: This sequence change replaces methionine, which is neutral and non-polar, with leucine, which is neutral and non-polar, at codon 294 of the NBN protein (p.Met294Leu). This variant is present in population databases (rs746381477, gnomAD 0.0009%). This missense change has been observed in individual(s) with breast and/or ovarian cancer (PMID: 26315354, 31273614). ClinVar contains an entry for this variant (Variation ID: 187162). An algorithm developed to predict the effect of missense changes on protein structure and function outputs the following: PolyPhen-2: "Benign". The leucine amino acid residue is found in multiple mammalian species, which suggests that this missense change does not adversely affect protein function. In summary, the available evidence is currently insufficient to determine the role of this variant in disease. Therefore, it has been classified as a Variant of Uncertain Significance.

Blueprint Genetics
Classification: Uncertain significance. Last evaluated: 2022-01-24. Review status: criteria provided, single submitter. Criteria: ACMG Guidelines, 2015. Collection method: clinical testing. Allele origin: germline.

Genome-Nilou Lab
Classification: Uncertain significance for Microcephaly, normal intelligence and immunodeficiency. Last evaluated: 2021-05-18. Review status: criteria provided, single submitter. Criteria: ACMG Guidelines, 2015. Collection method: clinical testing. Allele origin: germline. Affected: no.

GeneDx
Classification: Uncertain significance. Last evaluated: 2017-10-19. Review status: criteria provided, single submitter. Criteria: GeneDx Variant Classification (06012015). Collection method: clinical testing. Allele origin: germline. Affected: yes.
Comment: This variant is denoted NBN c.880A>T at the cDNA level, p.Met294Leu (M294L) at the protein level, and results in the change of a Methionine to a Leucine (ATG>TTG). This variant has not, to our knowledge, been published in the literature as pathogenic or benign. NBN Met294Leu was not observed at a significant allele frequency in large population cohorts (Lek 2016). Since Methionine and Leucine share similar properties, this is considered a conservative amino acid substitution. NBN Met294Leu occurs at a position where amino acids with properties similar to Methionine are tolerated across species and is located within the BRCT 2 domain (Damiola 2014). In silico analyses predict that this variant is unlikely to alter protein structure or function. Based on currently available evidence, it is unclear whether NBN Met294Leu is a pathogenic or benign variant. We consider it to be a variant of uncertain significance.

Natera, Inc.
Classification: Uncertain significance for Nijmegen breakage syndrome. Last evaluated: 2020-03-06. Review status: no assertion criteria provided. Collection method: clinical testing. Allele origin: germline. Not counted in ClinVar's aggregate classification.

Literature cited by the submitters: PubMed 26315354 (cited by Labcorp Genetics (formerly Invitae), Labcorp); PubMed 31273614 (cited by Labcorp Genetics (formerly Invitae), Labcorp).